The following is an entry in ClinVar:

NM_020975.6(RET):c.157G>A (p.Val53Ile)

Gene: RET (ret proto-oncogene; plus strand). Cytogenetic location: 10q11.21.
Variant type: single nucleotide variant.
Coding change: c.157G>A on transcript NM_020975.6 (MANE Select); coding-DNA position 157, G replaced by A.
Protein change: p.Val53Ile; replaces valine 53 with isoleucine.
Molecular consequence: missense variant.
Genome position (GRCh38, 1-based): chr10:43,100,542, G>A. VCF-style: chr10-43100542-G-A. GRCh37 (hg19) VCF-style: chr10-43595990-G-A.
Other names: c.157G>A, p.Val53Ile (NM_000323.2, NM_001406743.1, NM_001406744.1 and 34 more transcripts); short protein forms V53I.
Identifiers: ClinVar variation 405545 (VCV000405545.19), dbSNP rs547308774, ClinGen allele CA034527.

ClinVar aggregate classification (germline): Uncertain significance. Review status: criteria provided, multiple submitters, no conflicts (2 of 4 stars). 4 submissions from 4 submitters: Uncertain significance (4). Last evaluated 2025-12-20.

Conditions:
Hirschsprung disease, susceptibility to, 1 (HSCR1). Also called: RET-Related Hirschsprung Disease. Identifiers: Orphanet 388, MedGen C3888239, MONDO:0007723, OMIM 142623.
Multiple endocrine neoplasia type 2B. Also called: WAGENMANN-FROBOESE SYNDROME; MULTIPLE ENDOCRINE NEOPLASIA, TYPE III; MULTIPLE ENDOCRINE NEOPLASIA, TYPE IIB; MEN IIB; NEUROMATA, MUCOSAL, WITH ENDOCRINE TUMORS; MEN 2B. Identifiers: Orphanet 247709, Orphanet 653, MedGen C0025269, MeSH D018814, MONDO:0008082, OMIM 162300.
Pheochromocytoma. Also called: MAX-Related Hereditary Paraganglioma-Pheochromocytoma Syndrome. Identifiers: Orphanet 29072, MedGen C0031511, MONDO:0008233, OMIM 171300, HP:0002666.
Familial medullary thyroid carcinoma (MTC). Also called: Thyroid cancer, familial medullary; MTC, familial; Familial Medullary Thyroid Carcinoma (FMTC). Identifiers: Orphanet 653, Orphanet 99361, MedGen C1833921, MONDO:0007958, OMIM 155240.
Multiple endocrine neoplasia type 2A. Also called: Multiple Endocrine Neoplasia Type 2A (MEN2A); MULTIPLE ENDOCRINE NEOPLASIA, TYPE IIA; PTC SYNDROME; SIPPLE SYNDROME; MEN 2A; MEN-2A syndrome. Identifiers: Orphanet 247698, Orphanet 653, MedGen C0025268, MeSH D018813, MONDO:0008234, OMIM 171400.
Hereditary cancer-predisposing syndrome. Also called: Tumor predisposition; Hereditary Cancer Syndrome; Hereditary neoplastic syndrome; Neoplastic Syndromes, Hereditary. Identifiers: Orphanet 140162, MedGen C0027672, MeSH D009386, MONDO:0015356.
Multiple endocrine neoplasia, type 2 (MEN2). Identifiers: Orphanet 653, MedGen C4048306, MONDO:0019003. Disease mechanism: gain of function.

Allele frequency attached by ClinVar (database versions not stated): ExAC 0.00001; gnomAD 0.00001; gnomAD exomes 0.00001 and 0.00002; TOPMed 0.00001; 1000 Genomes Project 30x 0.00016; 1000 Genomes Project 0.00020.
gnomAD v4.1: 28 of 1,613,870 alleles (0.0017%); highest among the groups gnomAD compares: Non-Finnish European, 0.0022%; no homozygotes.

Submissions (4):

Labcorp Genetics (formerly Invitae), Labcorp
Classification: Uncertain significance for Multiple endocrine neoplasia, type 2. Last evaluated: 2025-12-20. Review status: criteria provided, single submitter. Criteria: Invitae Variant Classification Sherloc (09022015). Collection method: clinical testing. Allele origin: germline.
Comment: This sequence change replaces valine, which is neutral and non-polar, with isoleucine, which is neutral and non-polar, at codon 53 of the RET protein (p.Val53Ile). This variant is present in population databases (rs547308774, gnomAD 0.007%). This missense change has been observed in individual(s) with Hirschsprung disease (PMID: 30217742). ClinVar contains an entry for this variant (Variation ID: 405545). An algorithm developed to predict the effect of missense changes on protein structure and function (PolyPhen-2) suggests that this variant is likely to be tolerated. In summary, the available evidence is currently insufficient to determine the role of this variant in disease. Therefore, it has been classified as a Variant of Uncertain Significance.

Fulgent Genetics
Classification: Uncertain significance for Hirschsprung disease, susceptibility to, 1; Familial medullary thyroid carcinoma; Multiple endocrine neoplasia type 2B; Pheochromocytoma; Multiple endocrine neoplasia type 2A. Last evaluated: 2024-05-31. Review status: criteria provided, single submitter. Criteria: ACMG Guidelines, 2015. Collection method: clinical testing. Allele origin: germline.

Ambry Genetics
Classification: Uncertain significance for Hereditary cancer-predisposing syndrome. Last evaluated: 2024-04-12. Review status: criteria provided, single submitter. Criteria: Ambry Variant Classification Scheme 2023. Collection method: clinical testing. Allele origin: germline.
Comment: The p.V53I variant (also known as c.157G>A), located in coding exon 2 of the RET gene, results from a G to A substitution at nucleotide position 157. The valine at codon 53 is replaced by isoleucine, an amino acid with highly similar properties. This alteration was identified in one individual diagnosed with Hirschsprung disease (Tang CS et al. Gastroenterology, 2018 12;155:1908-1922.e5). This amino acid position is well conserved in available vertebrate species. In addition, this alteration is predicted to be tolerated by in silico analysis. Based on the supporting evidence, the association of this alteration with Hirschsprung disease is unknown; however, the association of this alteration with MEN2 is unlikely.

Sema4
Classification: Uncertain significance for Hereditary cancer-predisposing syndrome. Last evaluated: 2021-08-19. Review status: criteria provided, single submitter. Criteria: Sema4 Curation Guidelines. Collection method: curation. Allele origin: germline.
Comment: The RET c.157G>A (p.V53I) variant has been reported in at least one individual with Hirschsprung disease (PMID: 30217742). It was observed in 3/250748 chromosomes in the large and broad cohorts of the Genome Aggregation Database (PMID: 32461654). The variant has been reported in ClinVar (Variation ID 405545). Functional studies have not been performed, and in silico predictions of the variant's effect on protein function are inconclusive. The evidence is insufficient to meet ACMG/AMP criteria for classifying the variant as benign or pathogenic. Thus, the clinical significance of this variant is currently uncertain.

Literature cited by the submitters: PubMed 30217742 (cited by 3 submitters).